The following is an entry in ClinVar:

NM_014423.4(AFF4):c.1944C>G (p.Thr648=)

Gene: AFF4 (ALF transcription elongation factor 4; minus strand). Cytogenetic location: 5q31.1.
Variant type: single nucleotide variant.
Coding change: c.1944C>G on transcript NM_014423.4 (MANE Select); coding-DNA position 1944, C replaced by G.
Protein change: p.Thr648=; no amino-acid change (threonine 648 retained).
Molecular consequence: synonymous variant.
Genome position (GRCh38, 1-based): chr5:132,896,686, G>C on the plus strand (C>G on the coding strand, the complement: AFF4 is on the minus strand). VCF-style: chr5-132896686-G-C. GRCh37 (hg19) VCF-style: chr5-132232378-G-C.
Identifiers: ClinVar variation 4993264 (VCV004993264.1).

ClinVar aggregate classification (germline): Likely benign (1 of 4 stars; one submission).

Conditions:
AFF4-related disorder. Also called: AFF4-related condition.

gnomAD v4.1: 3 of 1,614,056 alleles (0.00019%); highest among the groups gnomAD compares: Admixed American, 0.0017%; no homozygotes.

Submission:

PreventionGenetics, part of Exact Sciences
Classification: Likely benign for AFF4-related condition. Last evaluated: 2026-09-01. Review status: criteria provided, single submitter. Criteria: ACMG Guidelines, 2015. Collection method: clinical testing. Allele origin: germline.
Comment: This variant is classified as likely benign based on ACMG/AMP sequence variant interpretation guidelines (Richards et al. 2015 PMID: 25741868, with internal and published modifications).